The following is an entry in ClinVar:

NM_001283009.2(RTEL1):c.2854T>C (p.Phe952Leu)

Genes: RTEL1 (regulator of telomere elongation helicase 1; plus strand), RTEL1-TNFRSF6B (RTEL1-TNFRSF6B readthrough (NMD candidate); plus strand). Cytogenetic location: 20q13.33.
Variant type: single nucleotide variant.
Coding change: c.2854T>C on transcript NM_001283009.2 (MANE Select); coding-DNA position 2854, T replaced by C.
Protein change: p.Phe952Leu; replaces phenylalanine 952 with leucine.
Molecular consequence: missense variant. On other transcripts: non-coding transcript variant (1).
Genome position (GRCh38, 1-based): chr20:63,693,145, T>C. VCF-style: chr20-63693145-T-C. GRCh37 (hg19) VCF-style: chr20-62324498-T-C.
Other names: c.2185T>C, p.Phe729Leu (NM_001283010.1); c.2854T>C, p.Phe952Leu (NM_016434.4); c.2926T>C, p.Phe976Leu (NM_032957.5); short protein forms F729L, F976L, F952L.
Identifiers: ClinVar variation 661499 (VCV000661499.7), dbSNP rs1601184120, ClinGen allele CA409683170.

ClinVar aggregate classification (germline): Uncertain significance. Review status: criteria provided, multiple submitters, no conflicts (2 of 4 stars). 2 submissions from 2 submitters: Uncertain significance (2). Last evaluated 2024-05-05.

Conditions:
Dyskeratosis congenita, autosomal recessive 5 (DKCB5). Identifiers: MedGen C3554656, MONDO:0014076, OMIM 615190.
Pulmonary fibrosis and/or bone marrow failure, Telomere-related, 3. Also called: PULMONARY FIBROSIS AND/OR BONE MARROW FAILURE SYNDROME, TELOMERE-RELATED, 3. Identifiers: Orphanet 2032, MedGen C4225346, MONDO:0014613, OMIM 616373.

Allele frequency attached by ClinVar (database versions not stated): gnomAD exomes below 0.00001.
gnomAD v4.1: 2 of 1,612,218 alleles (0.00012%); highest among the groups gnomAD compares: Non-Finnish European, 0.00017%; no homozygotes.

Submissions (2):

Fulgent Genetics
Classification: Uncertain significance for Dyskeratosis congenita, autosomal recessive 5; Pulmonary fibrosis and/or bone marrow failure, Telomere-related, 3. Last evaluated: 2024-05-05. Review status: criteria provided, single submitter. Criteria: ACMG Guidelines, 2015. Collection method: clinical testing. Allele origin: germline.

Labcorp Genetics (formerly Invitae), Labcorp
Classification: Uncertain significance for Dyskeratosis congenita, autosomal recessive 5; Pulmonary fibrosis and/or bone marrow failure, Telomere-related, 3. Last evaluated: 2021-09-01. Review status: criteria provided, single submitter. Criteria: Invitae Variant Classification Sherloc (09022015). Collection method: clinical testing. Allele origin: germline.
Comment: This sequence change replaces phenylalanine with leucine at codon 952 of the RTEL1 protein (p.Phe952Leu). The phenylalanine residue is moderately conserved and there is a small physicochemical difference between phenylalanine and leucine. This variant is not present in population databases (ExAC no frequency). This variant has not been reported in the literature in individuals affected with RTEL1-related conditions. Algorithms developed to predict the effect of missense changes on protein structure and function output the following: SIFT: "Tolerated"; PolyPhen-2: "Benign"; Align-GVGD: "Class C0". The leucine amino acid residue is found in multiple mammalian species, which suggests that this missense change does not adversely affect protein function. In summary, the available evidence is currently insufficient to determine the role of this variant in disease. Therefore, it has been classified as a Variant of Uncertain Significance.